The following is an entry in ClinVar:

ClinVar aggregate classification (germline): Uncertain significance. Review status: criteria provided, multiple submitters, no conflicts (2 of 4 stars). 2 submissions from 2 submitters: Uncertain significance (2). Last evaluated 2024-10-12.

Conditions:
Inborn genetic diseases. Identifiers: MedGen C0950123, MeSH D030342.
Autosomal dominant Parkinson disease 8. Also called: LRRK2-Related Parkinson Disease; Parkinson disease 8; Parkinson disease 8, susceptibility to. Identifiers: Orphanet 411602, MedGen C1846862, MONDO:0011764, OMIM 607060.

Allele frequency attached by ClinVar (database versions not stated): gnomAD 0.00001; TOPMed 0.00001.
gnomAD v4.1: 6 of 1,613,226 alleles (0.00037%); highest among the groups gnomAD compares: Non-Finnish European, 0.00051%; no homozygotes.

Submissions (2):

Labcorp Genetics (formerly Invitae), Labcorp
Classification: Uncertain significance for Autosomal dominant Parkinson disease 8. Last evaluated: 2024-10-12. Review status: criteria provided, single submitter. Criteria: Invitae Variant Classification Sherloc (09022015). Collection method: clinical testing. Allele origin: germline.
Comment: This sequence change replaces glutamine, which is neutral and polar, with histidine, which is basic and polar, at codon 501 of the LRRK2 protein (p.Gln501His). This variant is present in population databases (no rsID available, gnomAD 0.007%). This variant has not been reported in the literature in individuals affected with LRRK2-related conditions. ClinVar contains an entry for this variant (Variation ID: 2055625). Invitae Evidence Modeling of protein sequence and biophysical properties (such as structural, functional, and spatial information, amino acid conservation, physicochemical variation, residue mobility, and thermodynamic stability) has been performed for this missense variant. However, the output from this modeling did not meet the statistical confidence thresholds required to predict the impact of this variant on LRRK2 protein function. In summary, the available evidence is currently insufficient to determine the role of this variant in disease. Therefore, it has been classified as a Variant of Uncertain Significance.

Ambry Genetics
Classification: Uncertain significance for Inborn genetic diseases. Last evaluated: 2024-10-04. Review status: criteria provided, single submitter. Criteria: Ambry Variant Classification Scheme 2023. Collection method: clinical testing. Allele origin: germline.

NM_198578.4(LRRK2):c.1503G>C (p.Gln501His)

Gene: LRRK2 (leucine rich repeat kinase 2; plus strand). Cytogenetic location: 12q12.
Variant type: single nucleotide variant.
Coding change: c.1503G>C on transcript NM_198578.4 (MANE Select); coding-DNA position 1503, G replaced by C.
Protein change: p.Gln501His; replaces glutamine 501 with histidine.
Molecular consequence: missense variant.
Genome position (GRCh38, 1-based): chr12:40,259,564, G>C. VCF-style: chr12-40259564-G-C. GRCh37 (hg19) VCF-style: chr12-40653366-G-C.
Other names: c.1503G>C (NM_198578.3); short protein forms Q501H.
Identifiers: ClinVar variation 2055625 (VCV002055625.7), dbSNP rs1373331532, ClinGen allele CA384411616.